The following is an entry in ClinVar:

ClinVar aggregate classification (germline): Uncertain significance (1 of 4 stars; one submission).

Submission:

GeneDx
Classification: Uncertain significance. Last evaluated: 2026-03-13. Review status: criteria provided, single submitter. Criteria: GeneDx Variant Classification Process June 2021. Collection method: clinical testing. Allele origin: germline.
Comment: Not observed at significant frequency in large population cohorts (gnomAD); In silico analysis suggests that this missense variant does not alter protein structure/function; Has not been previously published as pathogenic or benign to our knowledge

NM_015354.3(NUP188):c.637A>T (p.Met213Leu)

Gene: NUP188 (nucleoporin 188; plus strand). Cytogenetic location: 9q34.11.
Variant type: single nucleotide variant.
Coding change: c.637A>T on transcript NM_015354.3 (MANE Select); coding-DNA position 637, A replaced by T.
Protein change: p.Met213Leu; replaces methionine 213 with leucine.
Molecular consequence: missense variant.
Genome position (GRCh38, 1-based): chr9:128,968,557, A>T. VCF-style: chr9-128968557-A-T. GRCh37 (hg19) VCF-style: chr9-131730836-A-T.
Other names: short protein forms M213L.
Identifiers: ClinVar variation 5009067 (VCV005009067.1).
Genomic context (GRCh38, chr9:128,968,557, plus strand): 5'-GTTGTACAGACAGAGCGCCAAGTGTCTCGCTGGTTTGTTCAGTGCCTTCGGGAACAGTCC[A>T]TGCTGCTAGAAATTATTTTCCTTTATTATGCATACTTTGAGATGGCACCCAGTGACTTAC-3'
Protein context (NP_056169.1, residues 203-223): WFVQCLREQS[Met213Leu]LLEIIFLYYA